The following is an entry in ClinVar:

ClinVar aggregate classification (germline): Uncertain significance (1 of 4 stars; one submission).

Allele frequency attached by ClinVar (database versions not stated): gnomAD exomes below 0.00001; TOPMed 0.00001.
gnomAD v4.1: 4 of 1,613,948 alleles (0.00025%); highest among the groups gnomAD compares: Non-Finnish European, 0.00034%; no homozygotes.

Submission:

Labcorp Genetics (formerly Invitae), Labcorp
Classification: Uncertain significance. Last evaluated: 2024-03-06. Review status: criteria provided, single submitter. Criteria: Invitae Variant Classification Sherloc (09022015). Collection method: clinical testing. Allele origin: germline.
Comment: This sequence change replaces glycine, which is neutral and non-polar, with arginine, which is basic and polar, at codon 57 of the MICAL1 protein (p.Gly57Arg). This variant is present in population databases (no rsID available, gnomAD 0.0009%). This variant has not been reported in the literature in individuals affected with MICAL1-related conditions. Algorithms developed to predict the effect of missense changes on protein structure and function output the following: SIFT: "Not Available"; PolyPhen-2: "Benign"; Align-GVGD: "Not Available". The arginine amino acid residue is found in multiple mammalian species, which suggests that this missense change does not adversely affect protein function. In summary, the available evidence is currently insufficient to determine the role of this variant in disease. Therefore, it has been classified as a Variant of Uncertain Significance.

NM_022765.4(MICAL1):c.112G>C (p.Gly38Arg)

Gene: MICAL1 (microtubule associated monooxygenase, calponin and LIM domain containing 1; minus strand). Cytogenetic location: 6q21.
Variant type: single nucleotide variant.
Coding change: c.112G>C on transcript NM_022765.4 (MANE Select); coding-DNA position 112, G replaced by C.
Protein change: p.Gly38Arg; replaces glycine 38 with arginine.
Molecular consequence: missense variant.
Genome position (GRCh38, 1-based): chr6:109,454,085, C>G on the plus strand (G>C on the coding strand, the complement: MICAL1 is on the minus strand). VCF-style: chr6-109454085-C-G. GRCh37 (hg19) VCF-style: chr6-109775288-C-G.
Other names: c.112G>C, p.Gly38Arg (NM_001159291.2); c.169G>C, p.Gly57Arg (NM_001286613.2); short protein forms G57R, G38R.
Identifiers: ClinVar variation 3005599 (VCV003005599.3), dbSNP rs908711034, ClinGen allele CA145123476.
Genomic context (GRCh38, chr6:109,454,085, plus strand): 5'-AGTAGTTGAGCTGGTCCTTGATCTTGTGGTACTGGGGCAGCCCCCCACCGGGTTCCAGCC[C>G]CAGGGCCCCACACAGCTCCTGGAAGCTGCTCAGCACGTCCTGGCACAGCTGGGCCTGCAG-3'
Protein context (NP_073602.3, residues 28-48): SSFQELCGAL[Gly38Arg]LEPGGGLPQY